The following is an entry in ClinVar:

NM_000179.3(MSH6):c.1679T>A (p.Phe560Tyr)

Gene: MSH6 (mutS homolog 6; plus strand). Cytogenetic location: 2p16.3.
Variant type: single nucleotide variant.
Coding change: c.1679T>A on transcript NM_000179.3 (MANE Select); coding-DNA position 1679, T replaced by A.
Protein change: p.Phe560Tyr; replaces phenylalanine 560 with tyrosine.
Molecular consequence: missense variant. On other transcripts: non-coding transcript variant (4), intron variant (2).
Genome position (GRCh38, 1-based): chr2:47,799,662, T>A. VCF-style: chr2-47799662-T-A. GRCh37 (hg19) VCF-style: chr2-48026801-T-A.
Other names: c.1289T>A, p.Phe430Tyr (NM_001281492.2); c.773T>A, p.Phe258Tyr (NM_001281493.2, NM_001281494.2, NM_001406811.1 and 6 more transcripts); c.1775T>A, p.Phe592Tyr (NM_001406795.1, NM_001406802.1); c.1679T>A, p.Phe560Tyr (NM_001406796.1, NM_001406798.1, NM_001406800.1 and 3 more transcripts); c.1382T>A, p.Phe461Tyr (NM_001406797.1, NM_001406801.1, NM_001406805.1 and 10 more transcripts); c.1154T>A, p.Phe385Tyr (NM_001406799.1, NM_001406806.1, NM_001406807.1); c.1601T>A, p.Phe534Tyr (NM_001406804.1); c.1685T>A, p.Phe562Tyr (NM_001406813.1); and 3 more; short protein forms F385Y, F461Y, F534Y, F560Y, F504Y, F562Y, F592Y, F258Y.
Identifiers: ClinVar variation 2711893 (VCV002711893.4), dbSNP rs2104360219, ClinGen allele CA346747462.

ClinVar aggregate classification (germline): Uncertain significance. Review status: criteria provided, multiple submitters, no conflicts (2 of 4 stars). 2 submissions from 2 submitters: Uncertain significance (2). Last evaluated 2024-10-13.

Conditions:
Hereditary nonpolyposis colorectal neoplasms. Identifiers: MedGen C0009405, MeSH D003123.
Hereditary cancer-predisposing syndrome. Also called: Neoplastic Syndromes, Hereditary; Tumor predisposition; Hereditary Cancer Syndrome; Hereditary neoplastic syndrome. Identifiers: Orphanet 140162, MedGen C0027672, MeSH D009386, MONDO:0015356.

Submissions (2):

Ambry Genetics
Classification: Uncertain significance for Hereditary cancer-predisposing syndrome. Last evaluated: 2024-10-13. Review status: criteria provided, single submitter. Criteria: Ambry Variant Classification Scheme 2023. Collection method: clinical testing. Allele origin: germline.
Comment: The p.F560Y variant (also known as c.1679T>A), located in coding exon 4 of the MSH6 gene, results from a T to A substitution at nucleotide position 1679. The phenylalanine at codon 560 is replaced by tyrosine, an amino acid with highly similar properties. This amino acid position is conserved. In addition, this alteration is predicted to be deleterious by in silico analysis. Based on the available evidence, the clinical significance of this variant remains unclear.

Labcorp Genetics (formerly Invitae), Labcorp
Classification: Uncertain significance for Hereditary nonpolyposis colorectal neoplasms. Last evaluated: 2024-01-27. Review status: criteria provided, single submitter. Criteria: Invitae Variant Classification Sherloc (09022015). Collection method: clinical testing. Allele origin: germline.
Comment: This sequence change replaces phenylalanine, which is neutral and non-polar, with tyrosine, which is neutral and polar, at codon 560 of the MSH6 protein (p.Phe560Tyr). This variant is not present in population databases (gnomAD no frequency). This variant has not been reported in the literature in individuals affected with MSH6-related conditions. Advanced modeling of protein sequence and biophysical properties (such as structural, functional, and spatial information, amino acid conservation, physicochemical variation, residue mobility, and thermodynamic stability) has been performed at Invitae for this missense variant, however the output from this modeling did not meet the statistical confidence thresholds required to predict the impact of this variant on MSH6 protein function. In summary, the available evidence is currently insufficient to determine the role of this variant in disease. Therefore, it has been classified as a Variant of Uncertain Significance.